The following is an entry in ClinVar:

ClinVar aggregate classification (germline): Pathogenic (1 of 4 stars; one submission).

Conditions:
Deficiency of acetyl-CoA acetyltransferase. Also called: MITOCHONDRIAL ACETOACETYL-CoA THIOLASE DEFICIENCY; Beta-ketothiolase deficiency; 3-OXOTHIOLASE DEFICIENCY; 3-KETOTHIOLASE DEFICIENCY. Identifiers: Orphanet 134, MedGen C1536500, MONDO:0008760, OMIM 203750. Disease mechanism: loss of function.

Allele frequency attached by ClinVar (database versions not stated): gnomAD exomes below 0.00001.
gnomAD v4.1: 4 of 1,613,356 alleles (0.00025%); highest among the groups gnomAD compares: Non-Finnish European, 0.00034%; no homozygotes.

Submission:

Labcorp Genetics (formerly Invitae), Labcorp
Classification: Pathogenic for Deficiency of acetyl-CoA acetyltransferase. Last evaluated: 2023-11-22. Review status: criteria provided, single submitter. Criteria: Invitae Variant Classification Sherloc (09022015). Collection method: clinical testing. Allele origin: germline.
Comment: This sequence change creates a premature translational stop signal (p.Glu255*) in the ACAT1 gene. It is expected to result in an absent or disrupted protein product. Loss-of-function variants in ACAT1 are known to be pathogenic (PMID: 7749408). This variant is not present in population databases (gnomAD no frequency). This variant has not been reported in the literature in individuals affected with ACAT1-related conditions. ClinVar contains an entry for this variant (Variation ID: 1454055). For these reasons, this variant has been classified as Pathogenic.

Literature cited by the submitters: PubMed 7749408.

NM_000019.4(ACAT1):c.763G>T (p.Glu255Ter)

Gene: ACAT1 (acetyl-CoA acetyltransferase 1; plus strand). Cytogenetic location: 11q22.3.
Variant type: single nucleotide variant.
Coding change: c.763G>T on transcript NM_000019.4 (MANE Select); coding-DNA position 763, G replaced by T.
Protein change: p.Glu255Ter; replaces glutamic acid 255 with a stop codon.
Molecular consequence: nonsense. On other transcripts: non-coding transcript variant (2).
Genome position (GRCh38, 1-based): chr11:108,141,637, G>T. VCF-style: chr11-108141637-G-T. GRCh37 (hg19) VCF-style: chr11-108012364-G-T.
Other names: c.763G>T, p.Glu255Ter (NM_001386677.1); c.448G>T, p.Glu150Ter (NM_001386678.1); c.466G>T, p.Glu156Ter (NM_001386679.1); c.493G>T, p.Glu165Ter (NM_001386681.1, NM_001386682.1, NM_001386685.1 and 6 more transcripts); short protein forms E156*, E255*, E165*, E150*.
Identifiers: ClinVar variation 1454055 (VCV001454055.6), dbSNP rs2134768688, ClinGen allele CA382507789.